The following is an entry in ClinVar:

ClinVar aggregate classification (germline): Conflicting classifications of pathogenicity. Review status: criteria provided, conflicting classifications (1 of 4 stars). 5 submissions from 5 submitters: Uncertain significance (4); Likely benign (1). Last evaluated 2025-12-01.

Conditions:
RP1L1-related disorder. Also called: RP1L1-related condition.
Inborn genetic diseases. Identifiers: MedGen C0950123, MeSH D030342.
Occult macular dystrophy (OCMD). Also called: OCCULT MACULAR DYSTROPHY, SUSCEPTIBILITY TO; OMD. Identifiers: Orphanet 247834, MedGen C3150833, MONDO:0013316, OMIM 613587, HP:0030636.
Retinitis pigmentosa 88. Identifiers: MedGen C5394208, MONDO:0032940, OMIM 618826.
Retinal dystrophy. Also called: Inherited retinal dystrophy. Identifiers: Orphanet 71862, MedGen C0854723, MeSH D058499, MONDO:0019118, HP:0000556.

Allele frequency attached by ClinVar (database versions not stated): gnomAD 0.00003; gnomAD exomes 0.00003 and 0.00006; ExAC 0.00004; TOPMed 0.00009.
gnomAD v4.1: 58 of 1,614,074 alleles (0.0036%); highest among the groups gnomAD compares: Admixed American, 0.012%; no homozygotes.

Submissions (5):

Labcorp Genetics (formerly Invitae), Labcorp
Classification: Uncertain significance. Last evaluated: 2025-12-01. Review status: criteria provided, single submitter. Criteria: Invitae Variant Classification Sherloc (09022015). Collection method: clinical testing. Allele origin: germline.
Comment: This sequence change replaces arginine, which is basic and polar, with histidine, which is basic and polar, at codon 190 of the RP1L1 protein (p.Arg190His). This variant is present in population databases (rs760999157, gnomAD 0.02%). This variant has not been reported in the literature in individuals affected with RP1L1-related conditions. ClinVar contains an entry for this variant (Variation ID: 1430849). Invitae Evidence Modeling of protein sequence and biophysical properties (such as structural, functional, and spatial information, amino acid conservation, physicochemical variation, residue mobility, and thermodynamic stability) indicates that this missense variant is not expected to disrupt RP1L1 protein function with a negative predictive value of 80%. In summary, the available evidence is currently insufficient to determine the role of this variant in disease. Therefore, it has been classified as a Variant of Uncertain Significance.

PreventionGenetics, part of Exact Sciences
Classification: Uncertain significance for RP1L1-related condition. Last evaluated: 2025-06-30. Review status: criteria provided, single submitter. Criteria: ACMG Guidelines, 2015. Collection method: clinical testing. Allele origin: germline.
Comment: The RP1L1 c.569G>A variant is predicted to result in the amino acid substitution p.Arg190His. To our knowledge, this variant has not been reported in the literature. This variant is reported in 0.023% of alleles in individuals of Latino descent in gnomAD. At this time, the clinical significance of this variant is uncertain due to the absence of conclusive functional and genetic evidence.

Ambry Genetics
Classification: Likely benign for Inborn genetic diseases. Last evaluated: 2025-06-29. Review status: criteria provided, single submitter. Criteria: Ambry Variant Classification Scheme 2023. Collection method: clinical testing. Allele origin: germline.

Blueprint Genetics
Classification: Uncertain significance. Last evaluated: 2024-10-09. Review status: criteria provided, single submitter. Criteria: ACMG Guidelines, 2015. Collection method: clinical testing. Allele origin: germline.

Dept Of Ophthalmology, Nagoya University
Classification: Uncertain significance for Retinal dystrophy. Last evaluated: 2023-10-01. Review status: criteria provided, single submitter. Criteria: Submitter's publication. Collection method: research. Allele origin: germline. Affected: yes.

NM_178857.6(RP1L1):c.569G>A (p.Arg190His)

Gene: RP1L1 (RP1 like 1). Cytogenetic location: 8p23.1.
Variant type: single nucleotide variant.
Coding change: c.569G>A on transcript NM_178857.6 (MANE Select); coding-DNA position 569, G replaced by A.
Protein change: p.Arg190His; replaces arginine 190 with histidine.
Molecular consequence: missense variant.
Genome position (GRCh38, 1-based): chr8:10,622,633, C>T on the plus strand (G>A on the coding strand, the complement: RP1L1 is on the minus strand). VCF-style: chr8-10622633-C-T. GRCh37 (hg19) VCF-style: chr8-10480143-C-T.
Other names: c.569G>A (NM_178857.5); short protein forms R190H.
Identifiers: ClinVar variation 1430849 (VCV001430849.11), dbSNP rs760999157, ClinGen allele CA4625641.